The following is an entry in ClinVar:

NM_001011551.3(C1GALT1C1):c.266C>T (p.Thr89Ile)

Gene: C1GALT1C1 (C1GALT1 specific chaperone 1; minus strand). Cytogenetic location: Xq24.
Variant type: single nucleotide variant.
Coding change: c.266C>T on transcript NM_001011551.3 (MANE Select); coding-DNA position 266, C replaced by T.
Protein change: p.Thr89Ile; replaces threonine 89 with isoleucine.
Molecular consequence: missense variant.
Genome position (GRCh38, 1-based): chrX:120,626,901, G>A on the plus strand (C>T on the coding strand, the complement: C1GALT1C1 is on the minus strand). VCF-style: chrX-120626901-G-A. GRCh37 (hg19) VCF-style: chrX-119760756-G-A.
Other names: C1GALT1C1, THR89ILE; c.266C>T, p.Thr89Ile (NM_152692.5); short protein forms T89I.
Identifiers: ClinVar variation 2506572 (VCV002506572.4), dbSNP rs2521331057, ClinGen allele CA414209612.

ClinVar aggregate classification (germline): Pathogenic. Review status: criteria provided, single submitter (1 of 4 stars). 2 submissions from 2 submitters: Pathogenic (1). 1 of the submissions does not count toward it. Last evaluated 2023-06-24.

Conditions:
Hemolytic uremic syndrome, atypical, 8, with rhizomelic short stature (AHUS8). Identifiers: MedGen C5829585, MONDO:0957495, OMIM 301110.
Atypical hemolytic-uremic syndrome. Identifiers: Orphanet 2134, MedGen C2931788, MONDO:0016244.

Submissions (2):

The Morris Kahn Laboratory of Human Genetics, Ben-gurion University of the Negev
Classification: Pathogenic for Atypical hemolytic-uremic syndrome. Last evaluated: 2023-06-24. Review status: criteria provided, single submitter. Criteria: ACMG Guidelines, 2015. Collection method: research. Allele origin: de novo. Inheritance: X-linked inheritance. Affected: yes. Observed: 1 variant allele, 1 hemizygote.
Comment: This variant is situated in an area of remarkable evolutionary conservation. In vitro studies have demonstrated that this variant results in the generation of an exposed T-antigen on erythrocytes, which incites complement activation against these erythrocytes (Noam Hadar et al. 2023). This action potentially mirrors the mechanism of T-antigen mediated pneumococcal hemolytic uremic syndrome (Nicolas Burin des Roziers et al. 2015). In conclusion, the de novo Thr89Ile variant was absent from control samples, and the molecular mechanism it underlies leads to the exposure of a T-antigen in a manner similar to that observed in pneumococcal hemolytic uremic syndrome. Consequently, this variant is classified as pathogenic.

OMIM
Classification: Pathogenic for HEMOLYTIC UREMIC SYNDROME, ATYPICAL, 8, WITH RHIZOMELIC SHORT STATURE. Last evaluated: 2023-07-11. Review status: no assertion criteria provided. Collection method: literature only. Allele origin: germline. Not counted in ClinVar's aggregate classification.

Literature cited by the submitters: PubMed 36599939 (cited by The Morris Kahn Laboratory of Human Genetics, Ben-gurion University of the Negev and OMIM).